The following is an entry in ClinVar:

ClinVar aggregate classification (germline): Benign. Review status: criteria provided, multiple submitters, no conflicts (2 of 4 stars). 2 submissions from 2 submitters: Benign (2). Last evaluated 2018-06-14.

Allele frequency attached by ClinVar (database versions not stated): 1000 Genomes Project 0.05431; 1000 Genomes Project 30x 0.05824; gnomAD 0.06913 and 0.07100; TOPMed 0.07343.
gnomAD v4.1: 10,499 of 152,290 alleles (6.9%); highest among the groups gnomAD compares: African/African-American, 8.1%; 407 homozygotes.

Submissions (2):

GeneDx
Classification: Benign. Last evaluated: 2018-06-14. Review status: criteria provided, single submitter. Criteria: GeneDx Variant Classification (06012015). Collection method: clinical testing. Allele origin: germline. Affected: yes.
Comment: This variant is considered likely benign or benign based on one or more of the following criteria: it is a conservative change, it occurs at a poorly conserved position in the protein, it is predicted to be benign by multiple in silico algorithms, and/or has population frequency not consistent with disease.

Breakthrough Genomics
Classification: Benign. Review status: criteria provided, single submitter. Criteria: ACMG Guidelines, 2015. Collection method: not provided. Allele origin: germline. Inheritance: Autosomal recessive inheritance. Affected: yes.

NM_001195263.2(PDZD7):c.1750-196T>C

Gene: PDZD7 (PDZ domain containing 7; minus strand). Cytogenetic location: 10q24.31.
Variant type: single nucleotide variant.
Coding change: c.1750-196T>C on transcript NM_001195263.2 (MANE Select); 196 bases into the intron before coding-DNA position 1750, T replaced by C.
Molecular consequence: intron variant.
Genome position (GRCh38, 1-based): chr10:101,012,454, A>G on the plus strand (T>C on the coding strand, the complement: PDZD7 is on the minus strand). VCF-style: chr10-101012454-A-G. GRCh37 (hg19) VCF-style: chr10-102772211-A-G.
Identifiers: ClinVar variation 672460 (VCV000672460.2), dbSNP rs11595628, ClinGen allele CA13250391.